The following is an entry in ClinVar:

NM_005633.4(SOS1):c.464A>G (p.Tyr155Cys)

Gene: SOS1 (SOS Ras/Rac guanine nucleotide exchange factor 1; minus strand). Cytogenetic location: 2p22.1.
Variant type: single nucleotide variant.
Coding change: c.464A>G on transcript NM_005633.4 (MANE Select); coding-DNA position 464, A replaced by G.
Protein change: p.Tyr155Cys; replaces tyrosine 155 with cysteine.
Molecular consequence: missense variant.
Genome position (GRCh38, 1-based): chr2:39,056,748, T>C on the plus strand (A>G on the coding strand, the complement: SOS1 is on the minus strand). VCF-style: chr2-39056748-T-C. GRCh37 (hg19) VCF-style: chr2-39283889-T-C.
Other names: c.443A>G, p.Tyr148Cys (NM_001382394.1); c.464A>G, p.Tyr155Cys (NM_001382395.1); short protein forms Y155C, Y148C.
Identifiers: ClinVar variation 1413741 (VCV001413741.12), dbSNP rs1188280924, ClinGen allele CA346373494.

ClinVar aggregate classification (germline): Uncertain significance. Review status: criteria provided, multiple submitters, no conflicts (2 of 4 stars). 5 submissions from 4 submitters: Uncertain significance (5). Last evaluated 2024-08-15.

Conditions:
Fibromatosis, gingival, 1 (GINGF1). Identifiers: Orphanet 2024, MedGen C4551558, MONDO:0007609, OMIM 135300.
Noonan syndrome 4 (NS4). Also called: NOONAN SYNDROME WITH PIGMENTED VILLONODULAR SYNOVITIS; SOS1-Related Noonan Syndrome. Identifiers: Orphanet 648, MedGen C1853120, MONDO:0012547, OMIM 610733.
RASopathy. Also called: rasopathies; Noonan spectrum disorder. Identifiers: Orphanet 536391, MedGen C5555857, MONDO:0021060.
Cardiovascular phenotype. Identifiers: MedGen CN230736.

Allele frequency attached by ClinVar (database versions not stated): gnomAD exomes below 0.00001; gnomAD 0.00001; TOPMed 0.00001.
gnomAD v4.1: 3 of 1,604,384 alleles (0.00019%); highest among the groups gnomAD compares: Non-Finnish European, 0.00017%; no homozygotes.

Submissions (5):

Labcorp Genetics (formerly Invitae), Labcorp
Classification: Uncertain significance for RASopathy. Last evaluated: 2024-08-15. Review status: criteria provided, single submitter. Criteria: Invitae Variant Classification Sherloc (09022015). Collection method: clinical testing. Allele origin: germline.
Comment: This sequence change replaces tyrosine, which is neutral and polar, with cysteine, which is neutral and slightly polar, at codon 155 of the SOS1 protein (p.Tyr155Cys). This variant is not present in population databases (gnomAD no frequency). This variant has not been reported in the literature in individuals affected with SOS1-related conditions. ClinVar contains an entry for this variant (Variation ID: 1413741). Invitae Evidence Modeling of protein sequence and biophysical properties (such as structural, functional, and spatial information, amino acid conservation, physicochemical variation, residue mobility, and thermodynamic stability) has been performed for this missense variant. However, the output from this modeling did not meet the statistical confidence thresholds required to predict the impact of this variant on SOS1 protein function. In summary, the available evidence is currently insufficient to determine the role of this variant in disease. Therefore, it has been classified as a Variant of Uncertain Significance.

GeneDx
Classification: Uncertain significance. Last evaluated: 2023-07-24. Review status: criteria provided, single submitter. Criteria: GeneDx Variant Classification Process June 2021. Collection method: clinical testing. Allele origin: germline. Affected: yes.
Comment: Not observed at significant frequency in large population cohorts (gnomAD); Missense variants in this gene are often considered pathogenic (HGMD); In silico analysis supports that this missense variant does not alter protein structure/function; Has not been previously published as pathogenic or benign to our knowledge; This variant is associated with the following publications: (PMID: 29493581)

Ambry Genetics
Classification: Uncertain significance for Cardiovascular phenotype. Last evaluated: 2021-09-07. Review status: criteria provided, single submitter. Criteria: Ambry Variant Classification Scheme 2023. Collection method: clinical testing. Allele origin: germline.
Comment: The p.Y155C variant (also known as c.464A>G), located in coding exon 4 of the SOS1 gene, results from an A to G substitution at nucleotide position 464. The tyrosine at codon 155 is replaced by cysteine, an amino acid with highly dissimilar properties. This amino acid position is conserved. In addition, this alteration is predicted to be tolerated by in silico analysis. Since supporting evidence is limited at this time, the clinical significance of this alteration remains unclear.

Genome-Nilou Lab
Classification: Uncertain significance for Noonan syndrome 4. Review status: criteria provided, single submitter. Criteria: ACMG Guidelines, 2015. Collection method: clinical testing. Allele origin: germline.

Genome-Nilou Lab
Classification: Uncertain significance for Fibromatosis, gingival, 1. Review status: criteria provided, single submitter. Criteria: ACMG Guidelines, 2015. Collection method: clinical testing. Allele origin: germline.